The following is an entry in ClinVar:

NM_000089.4(COL1A2):c.2440G>A (p.Gly814Arg)

Gene: COL1A2 (collagen type I alpha 2 chain; plus strand). Cytogenetic location: 7q21.3.
Variant type: single nucleotide variant.
Coding change: c.2440G>A on transcript NM_000089.4 (MANE Select); coding-DNA position 2440, G replaced by A.
Protein change: p.Gly814Arg; replaces glycine 814 with arginine.
Molecular consequence: missense variant.
Genome position (GRCh38, 1-based): chr7:94,422,993, G>A. VCF-style: chr7-94422993-G-A. GRCh37 (hg19) VCF-style: chr7-94052305-G-A.
Other names: short protein forms G814R.
Identifiers: ClinVar variation 4075351 (VCV004075351.1).

ClinVar aggregate classification (germline): Pathogenic (1 of 4 stars; one submission).

Conditions:
Osteogenesis imperfecta type I (OI1). Also called: Classic Non-deforming Osteogenesis Imperfecta with Blue Sclerae; Lobstein disease; OI, TYPE I; OSTEOGENESIS IMPERFECTA TARDA; OSTEOGENESIS IMPERFECTA WITH BLUE SCLERAE; Osteogenesis imperfecta type 1. Identifiers: Orphanet 216796, Orphanet 666, MedGen C0023931, MONDO:0008146, OMIM 166200. Disease mechanism: loss of function.

Submission:

Clinical Biomedical Laboratory, Shriners Hospital For Children - Canada
Classification: Pathogenic for Osteogenesis imperfecta type I. Last evaluated: 2025-07-16. Review status: criteria provided, single submitter. Criteria: ACMG Guidelines, 2015. Collection method: clinical testing. Allele origin: germline. Affected: yes.
Comment: This variant is predicted to substitute a glycine residue by an arginine residue in the triple helical domain of collagen type I alpha 2 chain. Glycine substitutions in the triple helical domain of collagen type I cause disruption in the formation of the triple helix in the collagen molecule and are a typical cause of osteogenesis imperfecta. In the Genome Aggregation Database v2.1.1 this variant is not present, indicating it is very rare. Prediction tools (REVEL: 1.00) suggest that the change is damaging to protein function.